The following is an entry in ClinVar:

ClinVar aggregate classification (germline): Uncertain significance (1 of 4 stars; one submission).

Conditions:
Glycosylphosphatidylinositol biosynthesis defect 16. Also called: MENTAL RETARDATION, AUTOSOMAL RECESSIVE 62. Identifiers: MedGen C4540521, MONDO:0040500, OMIM 617816.

gnomAD v4.1: 6 of 1,547,684 alleles (0.00039%); highest among the groups gnomAD compares: Middle Eastern, 0.071%; no homozygotes.

Submission:

Victorian Clinical Genetics Services, Murdoch Childrens Research Institute
Classification: Uncertain significance for Glycosylphosphatidylinositol biosynthesis defect 16. Last evaluated: 2024-09-22. Review status: criteria provided, single submitter. Criteria: ACMG Guidelines, 2015. Collection method: clinical testing. Allele origin: germline. Inheritance: Autosomal recessive inheritance. Affected: yes.
Comment: Based on the classification scheme VCGS_Germline_v1.3.4, this variant is classified as VUS-3B. Following criteria are met: 0102 - Loss of function is a known mechanism of disease in this gene and is associated with glycosylphosphatidylinositol biosynthesis defect 16 (MIM#617816). (I) 0106 - This gene is associated with autosomal recessive disease. (I) 0200 - Variant is predicted to result in a missense amino acid change from arginine to methionine. (I) 0251 - This variant is heterozygous. (I) 0304 - Variant is present in gnomAD <0.01 for a recessive condition (v3: 1 heterozygote, 0 homozygotes). (SP) 0309 - An alternative amino acid change at the same position has been observed in gnomAD (v2) (10 heterozygotes, 1 homozygote). (I) 0502 - Missense variant with conflicting in silico predictions and high conservation. (I) 0604 - Variant is not located in an established domain, motif, hotspot or informative constraint region. (I) 0705 - No comparable missense variants have previous evidence for pathogenicity. (I) 0807 - This variant has no previous evidence of pathogenicity. (I) 0905 - No published segregation evidence has been identified for this variant. (I) 1007 - No published functional evidence has been identified for this variant. (I) Legend: (SP) - Supporting pathogenic, (I) - Information, (SB) - Supporting benign

NM_153747.2(PIGC):c.881G>T (p.Arg294Met)

Genes: C1orf105 (chromosome 1 open reading frame 105; plus strand), PIGC (phosphatidylinositol glycan anchor biosynthesis class C; minus strand). Cytogenetic location: 1q24.3.
Variant type: single nucleotide variant.
Coding change: c.881G>T on transcript NM_153747.2 (MANE Select); coding-DNA position 881, G replaced by T.
Protein change: p.Arg294Met; replaces arginine 294 with methionine.
Molecular consequence: missense variant. On other transcripts: intron variant (1).
Genome position (GRCh38, 1-based): chr1:172,441,742, C>A on the plus strand (G>T on the coding strand, the complement: PIGC is on the minus strand). VCF-style: chr1-172441742-C-A. GRCh37 (hg19) VCF-style: chr1-172410882-C-A.
Other names: c.881G>T, p.Arg294Met (NM_002642.4); c.22-3331C>A (NM_139240.4); short protein forms R294M.
Identifiers: ClinVar variation 3254725 (VCV003254725.2), dbSNP rs1647325450.